The following is an entry in ClinVar:

ClinVar aggregate classification (germline): Uncertain significance (1 of 4 stars; one submission).

Submission:

GeneDx
Classification: Uncertain significance. Last evaluated: 2026-01-15. Review status: criteria provided, single submitter. Criteria: GeneDx Variant Classification Process June 2021. Collection method: clinical testing. Allele origin: germline. Affected: yes.
Comment: Not observed at significant frequency in large population cohorts (gnomAD); In silico analysis suggests that this missense variant does not alter protein structure/function; Has not been previously published as pathogenic or benign to our knowledge

NM_005334.3(HCFC1):c.1642G>A (p.Ala548Thr)

Gene: HCFC1 (host cell factor C1; minus strand). Cytogenetic location: Xq28.
Variant type: single nucleotide variant.
Coding change: c.1642G>A on transcript NM_005334.3 (MANE Select); coding-DNA position 1642, G replaced by A.
Protein change: p.Ala548Thr; replaces alanine 548 with threonine.
Molecular consequence: missense variant.
Genome position (GRCh38, 1-based): chrX:153,958,730, C>T on the plus strand (G>A on the coding strand, the complement: HCFC1 is on the minus strand). VCF-style: chrX-153958730-C-T. GRCh37 (hg19) VCF-style: chrX-153224181-C-T.
Other names: c.1642G>A, p.Ala548Thr (NM_001410705.1); short protein forms A548T.
Identifiers: ClinVar variation 2579318 (VCV002579318.2), dbSNP rs2521639460, ClinGen allele CA415135420.